The following is an entry in ClinVar:

NM_031448.6(C19orf12):c.*1413G>A

Gene: C19orf12 (chromosome 19 open reading frame 12; minus strand). Cytogenetic location: 19q12.
Variant type: single nucleotide variant.
Coding change: c.*1413G>A on transcript NM_031448.6 (MANE Select); 1413 bases downstream of the stop codon, G replaced by A.
Molecular consequence: 3 prime UTR variant.
Genome position (GRCh38, 1-based): chr19:29,701,299, C>T on the plus strand (G>A on the coding strand, the complement: C19orf12 is on the minus strand). VCF-style: chr19-29701299-C-T. GRCh37 (hg19) VCF-style: chr19-30192206-C-T.
Other names: c.*1413G>A (NM_001031726.4, NM_001256047.2, NM_001282929.1 and 2 more transcripts); c.*1460G>A (NM_001256046.3).
Identifiers: ClinVar variation 890576 (VCV000890576.4), dbSNP rs116160531, ClinGen allele CA9351744.

ClinVar aggregate classification (germline): Likely benign (1 of 4 stars; one submission).

Conditions:
Neurodegeneration with brain iron accumulation 4 (NBIA4). Also called: MITOCHONDRIAL PROTEIN-ASSOCIATED NEURODEGENERATION. Identifiers: Orphanet 289560, MedGen C3280371, MONDO:0013674, OMIM 614298. Disease mechanism: loss of function.

Allele frequency attached by ClinVar (database versions not stated): ExAC 0.00065; gnomAD exomes 0.00120 and 0.00194; gnomAD 0.01024 and 0.01090; 1000 Genomes Project 30x 0.01062; 1000 Genomes Project 0.01078; TOPMed 0.01179.

Submission:

Illumina Laboratory Services, Illumina
Classification: Likely benign for Neurodegeneration with brain iron accumulation 4. Last evaluated: 2018-01-12. Review status: criteria provided, single submitter. Criteria: ICSL Variant Classification Criteria 13 December 2019. Collection method: clinical testing. Allele origin: germline.
Comment: This variant was observed in the ICSL laboratory as part of a predisposition screen in an ostensibly healthy population. It had not been previously curated by ICSL or reported in the Human Gene Mutation Database (HGMD: prior to June 1st, 2018), and was therefore a candidate for classification through an automated scoring system. Utilizing variant allele frequency, disease prevalence and penetrance estimates, and inheritance mode, an automated score was calculated to assess if this variant is too frequent to cause the disease. Based on the score and internal cut-off values, a variant classified as likely benign is not then subjected to further curation. The score for this variant resulted in a classification of likely benign for this disease.